The following is an entry in ClinVar:

NM_001098.3(ACO2):c.881C>G (p.Thr294Ser)

Gene: ACO2 (aconitase 2; plus strand). Cytogenetic location: 22q13.2.
Variant type: single nucleotide variant.
Coding change: c.881C>G on transcript NM_001098.3 (MANE Select); coding-DNA position 881, C replaced by G.
Protein change: p.Thr294Ser; replaces threonine 294 with serine.
Molecular consequence: missense variant.
Genome position (GRCh38, 1-based): chr22:41,517,572, C>G. VCF-style: chr22-41517572-C-G. GRCh37 (hg19) VCF-style: chr22-41913576-C-G.
Other names: short protein forms T294S.
Identifiers: ClinVar variation 4742058 (VCV004742058.1).
Genomic context (GRCh38, chr22:41,517,572, plus strand): 5'-TCTGTTGCTCCACAGGCATGGCGACAATCTGCAACATGGGTGCAGAAATTGGGGCCACCA[C>G]TTCCGTGTTCCCTTACAACCACAGGATGAAGAAGTACCTGAGCAAGACCGGCCGGGAAGG-3'
Protein context (NP_001089.1, residues 284-304): CNMGAEIGAT[Thr294Ser]SVFPYNHRMK

ClinVar aggregate classification (germline): Uncertain significance (1 of 4 stars; one submission).

Submission:

Labcorp Genetics (formerly Invitae), Labcorp
Classification: Uncertain significance. Last evaluated: 2025-08-20. Review status: criteria provided, single submitter. Criteria: Invitae Variant Classification Sherloc (09022015). Collection method: clinical testing. Allele origin: germline.
Comment: This sequence change replaces threonine, which is neutral and polar, with serine, which is neutral and polar, at codon 294 of the ACO2 protein (p.Thr294Ser). This variant is not present in population databases (gnomAD no frequency). This variant has not been reported in the literature in individuals affected with ACO2-related conditions. Invitae Evidence Modeling of protein sequence and biophysical properties (such as structural, functional, and spatial information, amino acid conservation, physicochemical variation, residue mobility, and thermodynamic stability) indicates that this missense variant is not expected to disrupt ACO2 protein function with a negative predictive value of 80%. In summary, the available evidence is currently insufficient to determine the role of this variant in disease. Therefore, it has been classified as a Variant of Uncertain Significance.